The following is an entry in ClinVar:

ClinVar aggregate classification (germline): Uncertain significance (1 of 4 stars; one submission).

Submission:

GeneDx
Classification: Uncertain significance. Last evaluated: 2023-04-18. Review status: criteria provided, single submitter. Criteria: GeneDx Variant Classification Process June 2021. Collection method: clinical testing. Allele origin: germline. Affected: yes.
Comment: Not observed at significant frequency in large population cohorts (gnomAD); Has not been previously published as pathogenic or benign to our knowledge; Reported using an alternate transcript of the gene

NM_021912.5(GABRB3):c.1A>G (p.Met1Val)

Gene: GABRB3 (gamma-aminobutyric acid type A receptor subunit beta3; minus strand). Cytogenetic location: 15q12.
Variant type: single nucleotide variant.
Coding change: c.1A>G on transcript NM_021912.5; coding-DNA position 1, A replaced by G.
Protein change: p.Met1Val; changes the start codon (methionine 1).
Molecular consequence: missense variant, initiator codon variant.
Genome position (GRCh38, 1-based): chr15:26,773,724, T>C on the plus strand (A>G on the coding strand, the complement: GABRB3 is on the minus strand). VCF-style: chr15-26773724-T-C. GRCh37 (hg19) VCF-style: chr15-27018871-T-C.
Other names: short protein forms M1V.
Identifiers: ClinVar variation 2662089 (VCV002662089.1), dbSNP rs1240423916, ClinGen allele CA391465874.